The following is an entry in ClinVar:

ClinVar aggregate classification (germline): Uncertain significance (1 of 4 stars; one submission).

Submission:

GeneDx
Classification: Uncertain significance. Last evaluated: 2025-05-08. Review status: criteria provided, single submitter. Criteria: GeneDx Variant Classification Process June 2021. Collection method: clinical testing. Allele origin: germline. Affected: yes.
Comment: Not observed at significant frequency in large population cohorts (gnomAD); In silico analysis supports that this missense variant has a deleterious effect on protein structure/function; Has not been previously published as pathogenic or benign to our knowledge

NM_006922.4(SCN3A):c.3615C>G (p.His1205Gln)

Gene: SCN3A (sodium voltage-gated channel alpha subunit 3; minus strand). Cytogenetic location: 2q24.3.
Variant type: single nucleotide variant.
Coding change: c.3615C>G on transcript NM_006922.4 (MANE Select); coding-DNA position 3615, C replaced by G.
Protein change: p.His1205Gln; replaces histidine 1205 with glutamine.
Molecular consequence: missense variant.
Genome position (GRCh38, 1-based): chr2:165,113,870, G>C on the plus strand (C>G on the coding strand, the complement: SCN3A is on the minus strand). VCF-style: chr2-165113870-G-C. GRCh37 (hg19) VCF-style: chr2-165970380-G-C.
Other names: c.3468C>G, p.His1156Gln (NM_001081676.2, NM_001081677.2); short protein forms H1156Q, H1205Q.
Identifiers: ClinVar variation 4528011 (VCV004528011.1).